The following is an entry in ClinVar:

NM_000128.4(F11):c.1369_1370dup (p.Asp457fs)

Gene: F11 (coagulation factor XI; plus strand). Cytogenetic location: 4q35.2.
Variant type: Duplication.
Coding change: c.1369_1370dup on transcript NM_000128.4 (MANE Select); coding-DNA positions 1369 to 1370, 2 bases duplicated (GA; older notation c.1369_1370dupGA).
Protein change: p.Asp457fs; shifts the reading frame from aspartic acid 457.
Molecular consequence: frameshift variant.
Genome position (GRCh38, 1-based): chr4:186,285,702-186,285,703, GA duplicated. VCF-style (leftmost placement, unchanged base first): chr4-186285701-G-GGA. GRCh37 (hg19) VCF-style: chr4-187206855-G-GGA.
Other names: short protein forms D457fs.
Identifiers: ClinVar variation 2886579 (VCV002886579.4), dbSNP rs2126779711, ClinGen allele CA2672902919.

ClinVar aggregate classification (germline): Pathogenic. Review status: criteria provided, multiple submitters, no conflicts (2 of 4 stars). 2 submissions from 2 submitters: Pathogenic (2). Last evaluated 2024-05-14.

Conditions:
Hereditary factor XI deficiency disease. Also called: PLASMA THROMBOPLASTIN ANTECEDENT DEFICIENCY; PTA DEFICIENCY; ROSENTHAL SYNDROME; Congenital factor XI deficiency. Identifiers: Orphanet 329, MedGen C0015523, MeSH D005173, MONDO:0012897, OMIM 612416.

Allele frequency attached by ClinVar (database versions not stated): gnomAD exomes below 0.00001.

Submissions (2):

Myriad Genetics, Inc.
Classification: Pathogenic for Hereditary factor XI deficiency disease. Last evaluated: 2024-05-14. Review status: criteria provided, single submitter. Criteria: Myriad Autosomal Dominant, Autosomal Recessive and X-Linked Classification Criteria (2023). Collection method: clinical testing. Allele origin: unknown.
Comment: NM_000128.3(F11):c.1369_1370dupGA(D457Efs*11) is expected to be pathogenic in the context of factor XI deficiency. This variant is predicted to lead to an abnormal or absent protein product due to the creation of a premature termination codon in F11, a gene where loss-of-function variants are known to be pathogenic. Please note: this variant was assessed in the context of healthy population screening.

Labcorp Genetics (formerly Invitae), Labcorp
Classification: Pathogenic. Last evaluated: 2023-06-20. Review status: criteria provided, single submitter. Criteria: Invitae Variant Classification Sherloc (09022015). Collection method: clinical testing. Allele origin: germline.
Comment: This sequence change creates a premature translational stop signal (p.Asp457Glufs*11) in the F11 gene. It is expected to result in an absent or disrupted protein product. Loss-of-function variants in F11 are known to be pathogenic (PMID: 23929304). This variant is not present in population databases (gnomAD no frequency). This variant has not been reported in the literature in individuals affected with F11-related conditions. For these reasons, this variant has been classified as Pathogenic.

Literature cited by the submitters: PubMed 23929304 (cited by Labcorp Genetics (formerly Invitae), Labcorp).